The following is an entry in ClinVar:

ClinVar aggregate classification (germline): Uncertain significance. Review status: criteria provided, multiple submitters, no conflicts (2 of 4 stars). 2 submissions from 2 submitters: Uncertain significance (2). Last evaluated 2023-10-06.

Conditions:
Catecholaminergic polymorphic ventricular tachycardia (CVPT). Also called: Catecholamine-induced polymorphic ventricular tachycardia. Identifiers: Orphanet 3286, MedGen C5574922, MONDO:0017990.
Catecholaminergic polymorphic ventricular tachycardia 1. Also called: VENTRICULAR TACHYCARDIA, CATECHOLAMINERGIC POLYMORPHIC, 1, WITH OR WITHOUT ATRIAL DYSFUNCTION AND/OR DILATED CARDIOMYOPATHY; VENTRICULAR TACHYCARDIA, STRESS-INDUCED POLYMORPHIC 1; RYR2-Related Catecholaminergic Polymorphic Ventricular Tachycardia. Identifiers: Orphanet 3286, MedGen C1631597, MONDO:0011484, OMIM 604772.

Submissions (2):

All of Us Research Program, National Institutes of Health
Classification: Uncertain significance for Catecholaminergic polymorphic ventricular tachycardia. Last evaluated: 2023-10-06. Review status: criteria provided, single submitter. Criteria: ACMG Guidelines, 2015. Collection method: clinical testing. Allele origin: germline. Inheritance: Autosomal dominant inheritance. Observed: 1 variant allele, 1 heterozygote.
Comment: This missense variant replaces methionine with valine at codon 3777 of the RYR2 protein. Computational prediction suggests that this variant may have deleterious impact on protein structure and function (internally defined REVEL score threshold >= 0.7, PMID: 27666373). To our knowledge, functional studies have not been reported for this variant. This variant has not been reported in individuals affected with RYR2-related disorders in the literature. This variant has not been identified in the general population by the Genome Aggregation Database (gnomAD). The available evidence is insufficient to determine the role of this variant in disease conclusively. Therefore, this variant is classified as a Variant of Uncertain Significance.

This study involves interpretation of variants in research participants for the purpose of population health screening. Participant phenotype was not available at the time of variant classification. Additional details can be found in publication PMID: 35346344, PMCID: PMC8962531

Labcorp Genetics (formerly Invitae), Labcorp
Classification: Uncertain significance for Catecholaminergic polymorphic ventricular tachycardia 1. Last evaluated: 2021-04-30. Review status: criteria provided, single submitter. Criteria: Invitae Variant Classification Sherloc (09022015). Collection method: clinical testing. Allele origin: germline.
Comment: In summary, the available evidence is currently insufficient to determine the role of this variant in disease. Therefore, it has been classified as a Variant of Uncertain Significance. Advanced modeling of protein sequence and biophysical properties (such as structural, functional, and spatial information, amino acid conservation, physicochemical variation, residue mobility, and thermodynamic stability) performed at Invitae indicates that this missense variant is expected to disrupt RYR2 protein function. This variant has not been reported in the literature in individuals with RYR2-related conditions. This variant is not present in population databases (ExAC no frequency). This sequence change replaces methionine with valine at codon 3777 of the RYR2 protein (p.Met3777Val). The methionine residue is highly conserved and there is a small physicochemical difference between methionine and valine.

NM_001035.3(RYR2):c.11329A>G (p.Met3777Val)

Gene: RYR2 (ryanodine receptor 2; plus strand). Cytogenetic location: 1q43.
Variant type: single nucleotide variant.
Coding change: c.11329A>G on transcript NM_001035.3 (MANE Select); coding-DNA position 11329, A replaced by G.
Protein change: p.Met3777Val; replaces methionine 3777 with valine.
Molecular consequence: missense variant.
Genome position (GRCh38, 1-based): chr1:237,759,779, A>G. VCF-style: chr1-237759779-A-G. GRCh37 (hg19) VCF-style: chr1-237923079-A-G.
Other names: short protein forms M3777V.
Identifiers: ClinVar variation 1349661 (VCV001349661.10), dbSNP rs2149272666, ClinGen allele CA345428309.